The following is an entry in ClinVar:

NM_001042492.3(NF1):c.1261-19G>A

Gene: NF1 (neurofibromin 1; plus strand). Cytogenetic location: 17q11.2.
Variant type: single nucleotide variant.
Coding change: c.1261-19G>A on transcript NM_001042492.3 (MANE Select); 19 bases into the intron before coding-DNA position 1261, G replaced by A.
Molecular consequence: intron variant.
Genome position (GRCh38, 1-based): chr17:31,206,221, G>A. VCF-style: chr17-31206221-G-A. GRCh37 (hg19) VCF-style: chr17-29533239-G-A.
Other names: c.1261-19G>A (NM_000267.4, NM_001128147.3).
Identifiers: ClinVar variation 816753 (VCV000816753.8), dbSNP rs1597688663, ClinGen allele CA915949684.

ClinVar aggregate classification (germline): Pathogenic/Likely pathogenic. Review status: criteria provided, multiple submitters, no conflicts (2 of 4 stars). 5 submissions from 5 submitters: Pathogenic (2); Likely pathogenic (3). Last evaluated 2022-03-15.

Conditions:
Neurofibromatosis, type 1 (NF1). Also called: Peripheral type neurofibromatosis; VON RECKLINGHAUSEN DISEASE; Neurofibromatosis, type I; NEUROFIBROMATOSIS, TYPE I, SOMATIC. Identifiers: Orphanet 636, MedGen C0027831, MONDO:0018975, OMIM 162200. Disease mechanism: loss of function.
Cardiovascular phenotype. Identifiers: MedGen CN230736.
Hereditary cancer-predisposing syndrome. Also called: Neoplastic Syndromes, Hereditary; Hereditary Cancer Syndrome; Hereditary neoplastic syndrome; Tumor predisposition. Identifiers: Orphanet 140162, MedGen C0027672, MeSH D009386, MONDO:0015356.

Submissions (5):

Genome-Nilou Lab
Classification: Likely pathogenic for Neurofibromatosis, type 1. Last evaluated: 2022-03-15. Review status: criteria provided, single submitter. Criteria: ACMG Guidelines, 2015. Collection method: clinical testing. Allele origin: germline. Affected: no.

UAB Medical Genomics Laboratory, UAB Medicine
Classification: Pathogenic for Neurofibromatosis, type 1. Last evaluated: 2020-01-20. Review status: criteria provided, single submitter. Criteria: ACMG Guidelines, 2015. Collection method: clinical testing. Allele origin: germline. Affected: yes.

Ambry Genetics
Classification: Likely pathogenic for Cardiovascular phenotype; Hereditary cancer-predisposing syndrome. Last evaluated: 2019-02-20. Review status: criteria provided, single submitter. Criteria: Ambry Variant Classification Scheme 2023. Collection method: clinical testing. Allele origin: germline.
Comment: The c.1261-19G>A intronic variant results from a G to A substitution 19 nucleotides upstream from coding exon 12 in the NF1 gene. This alteration has been reported in patients with clinical diagnoses of neurofibromatosis type 1 (Nemethova M et al. Ann. Hum. Genet. 2013 Sep;77(5):364-79; Ambry internal data). In addition, RNA studies have shown that this intronic variant creates a novel splice site in intron 11, causing a transcriptional frameshift with a resulting premature stop codon (Nemethova M et al. Ann. Hum. Genet. 2013 Sep;77(5):364-79; Vandenbroucke J et al. FEBS Letters 522 (2002) 71-76). Based on the majority of available evidence to date, this variant is likely to be pathogenic.

Department of Pathology and Laboratory Medicine, Sinai Health System
Classification: Likely pathogenic for neurofibromatosis type 1. Review status: criteria provided, single submitter. Criteria: ACMG Guidelines, 2015. Collection method: clinical testing. Allele origin: germline.

Genesis Genomics
Classification: Pathogenic for Neurofibromatosis, type 1. Review status: criteria provided, single submitter. Criteria: ACMG Guidelines, 2015. Collection method: clinical testing. Allele origin: germline. Affected: yes. Observed: 1 variant allele.

Literature cited by the submitters: PubMed 32126153 (cited by UAB Medical Genomics Laboratory, UAB Medicine).